The following is an entry in ClinVar:

ClinVar aggregate classification (germline): Pathogenic. Review status: criteria provided, multiple submitters, no conflicts (2 of 4 stars). 4 submissions from 4 submitters: Pathogenic (3). 1 of the submissions does not count toward it. Last evaluated 2024-05-29.

Conditions:
Merosin deficient congenital muscular dystrophy (MDC1A). Also called: Congenital merosin-deficient muscular dystrophy 1A; Congenital Muscular Dystrophy Type 1A (MDC1A). Identifiers: Orphanet 258, MedGen C1263858, MONDO:0011925, OMIM 607855.
Muscular dystrophy, limb-girdle, autosomal recessive 23. Identifiers: Orphanet 565837, MedGen C4748327, MONDO:0029136, OMIM 618138.
LAMA2-related muscular dystrophy (LAMA2-RD). Also called: Laminin alpha 2-related dystrophy. Identifiers: MedGen C5679788, MONDO:0100228.

Submissions (4):

Labcorp Genetics (formerly Invitae), Labcorp
Classification: Pathogenic for LAMA2-related muscular dystrophy. Last evaluated: 2024-05-29. Review status: criteria provided, single submitter. Criteria: Invitae Variant Classification Sherloc (09022015). Collection method: clinical testing. Allele origin: germline.
Comment: This sequence change creates a premature translational stop signal (p.Arg1566Cysfs*13) in the LAMA2 gene. It is expected to result in an absent or disrupted protein product. Loss-of-function variants in LAMA2 are known to be pathogenic (PMID: 18700894, 32904964). This variant is present in population databases (rs774051471, gnomAD 0.0009%). This premature translational stop signal has been observed in individuals with congenital muscular dystrophy (PMID: 16216942). This variant is also known as 4695_4698dupTGCA. ClinVar contains an entry for this variant (Variation ID: 557277). For these reasons, this variant has been classified as Pathogenic.

Fulgent Genetics
Classification: Pathogenic for Merosin deficient congenital muscular dystrophy; Muscular dystrophy, limb-girdle, autosomal recessive 23. Last evaluated: 2024-03-26. Review status: criteria provided, single submitter. Criteria: ACMG Guidelines, 2015. Collection method: clinical testing. Allele origin: germline.

Baylor Genetics
Classification: Pathogenic for Merosin deficient congenital muscular dystrophy. Last evaluated: 2022-09-01. Review status: criteria provided, single submitter. Criteria: ACMG Guidelines, 2015. Collection method: clinical testing. Allele origin: unknown.

Counsyl
Classification: Likely pathogenic for Merosin deficient congenital muscular dystrophy. Last evaluated: 2018-03-14. Review status: no assertion criteria provided. Collection method: clinical testing. Allele origin: unknown. Not counted in ClinVar's aggregate classification.

Literature cited by the submitters: PubMed 18700894 (cited by Labcorp Genetics (formerly Invitae), Labcorp); PubMed 32904964 (cited by Labcorp Genetics (formerly Invitae), Labcorp); PubMed 16216942 (cited by Labcorp Genetics (formerly Invitae), Labcorp and Counsyl).

NM_000426.4(LAMA2):c.4692_4695dup (p.Arg1566fs)

Gene: LAMA2 (laminin subunit alpha 2; plus strand). Cytogenetic location: 6q22.33.
Variant type: Duplication.
Coding change: c.4692_4695dup on transcript NM_000426.4 (MANE Select); coding-DNA positions 4692 to 4695, 4 bases duplicated (TGCA; older notation c.4692_4695dupTGCA).
Protein change: p.Arg1566fs; shifts the reading frame from arginine 1566.
Molecular consequence: frameshift variant.
Genome position (GRCh38, 1-based): chr6:129,353,332-129,353,335, TGCA duplicated; duplicating any 4 consecutive bases within chr6:129,353,329-129,353,335 gives the same sequence; the c. name uses the placement nearest the transcript's 3' end. VCF-style (leftmost placement, unchanged base first): chr6-129353328-G-GGCAT. GRCh37 (hg19) VCF-style: chr6-129674473-G-GGCAT.
Other names: c.4692_4695dupTGCA (NM_000426.3); c.4692_4695dup, p.Arg1566fs (NM_001079823.2); short protein forms R1566fs.
Identifiers: ClinVar variation 557277 (VCV000557277.13), dbSNP rs774051471, ClinGen allele CA3993629.